The following is an entry in ClinVar:

NM_001394998.1(TANC2):c.2043C>A (p.Asp681Glu)

Gene: TANC2 (tetratricopeptide repeat, ankyrin repeat and coiled-coil containing 2; plus strand). Cytogenetic location: 17q23.3.
Variant type: single nucleotide variant.
Coding change: c.2043C>A on transcript NM_001394998.1 (MANE Select); coding-DNA position 2043, C replaced by A.
Protein change: p.Asp681Glu; replaces aspartic acid 681 with glutamic acid.
Molecular consequence: missense variant.
Genome position (GRCh38, 1-based): chr17:63,354,851, C>A. VCF-style: chr17-63354851-C-A. GRCh37 (hg19) VCF-style: chr17-61432212-C-A.
Other names: c.1821C>A, p.Asp607Glu (NM_001411076.1, NM_025185.4); short protein forms D681E, D607E.
Identifiers: ClinVar variation 1810535 (VCV001810535.1), dbSNP rs1389203603, ClinGen allele CA400523160.
Genomic context (GRCh38, chr17:63,354,851, plus strand): 5'-CAAGCTGCTGCCTTTCCATAGGATTTTTTTGGATCGACTAGAAGAGAATGAAGCCATAGA[C>A]CAGGACCTGCAGGCTTACATCCTGCACCGGATACACAGCAGCTCAGAGATCCAGAATAAC-3'
Protein context (NP_001381927.1, residues 671-691): LDRLEENEAI[Asp681Glu]QDLQAYILHR

ClinVar aggregate classification (germline): Uncertain significance (1 of 4 stars; one submission).

Submission:

GeneDx
Classification: Uncertain significance. Last evaluated: 2022-07-06. Review status: criteria provided, single submitter. Criteria: GeneDx Variant Classification Process June 2021. Collection method: clinical testing. Allele origin: germline. Affected: yes.
Comment: Not observed at significant frequency in large population cohorts (gnomAD); In silico analysis supports that this missense variant does not alter protein structure/function; Has not been previously published as pathogenic or benign to our knowledge